The following is an entry in ClinVar:

ClinVar aggregate classification (germline): Conflicting classifications of pathogenicity. Review status: criteria provided, conflicting classifications (1 of 4 stars). 14 submissions from 14 submitters: Uncertain significance (9); Likely benign (1). 4 of the submissions do not count toward it. Last evaluated 2025-12-11.

Conditions:
Cardiovascular phenotype. Identifiers: MedGen CN230736.
VCL-related disorder. Also called: VCL-related condition.
Dilated cardiomyopathy 1W (CMD1W). Identifiers: Orphanet 154, MedGen C1969639, MONDO:0012667, OMIM 611407.
Hypertrophic cardiomyopathy 15. Identifiers: MedGen C2750459, MONDO:0013200, OMIM 613255.

Allele frequency attached by ClinVar (database versions not stated): gnomAD 0.00006; TOPMed 0.00006; gnomAD exomes 0.00008 and 0.00004; ExAC 0.00002.
gnomAD v4.1: 123 of 1,614,066 alleles (0.0076%); highest among the groups gnomAD compares: Admixed American, 0.013%; no homozygotes.

Submissions (14):

GeneDx
Classification: Uncertain significance. Last evaluated: 2025-12-11. Review status: criteria provided, single submitter. Criteria: GeneDx Variant Classification Process June 2021. Collection method: clinical testing. Allele origin: germline.
Comment: Reported in association with dilated cardiomyopathy (DCM) in published literature; however, additional cardiogenetic variants were reported in some cases (PMID: 30847666, 32880476, 31983221); In silico analysis suggests that this missense variant does not alter protein structure/function; This variant is associated with the following publications: (PMID: 32880476, 31983221, 30847666)

Ambry Genetics
Classification: Uncertain significance for Cardiovascular phenotype. Last evaluated: 2025-11-06. Review status: criteria provided, single submitter. Criteria: Ambry Variant Classification Scheme 2023. Collection method: clinical testing. Allele origin: germline.
Comment: The p.R823Q variant (also known as c.2468G>A), located in coding exon 17 of the VCL gene, results from a G to A substitution at nucleotide position 2468. The arginine at codon 823 is replaced by glutamine, an amino acid with highly similar properties. This variant was reported in individual(s) with features consistent with dilated cardiomyopathy (van Lint FHM et al. Neth Heart J, 2019 Jun;27:304-309; Mazzarotto F et al. Circulation, 2020 Feb;141:387-398; Verdonschot JAJ et al. Circ Genom Precis Med, 2020 Oct;13:476-487). This amino acid position is well conserved in available vertebrate species. In addition, this alteration is predicted to be tolerated by in silico analysis. Based on the available evidence, the clinical significance of this variant remains unclear.

PreventionGenetics, part of Exact Sciences
Classification: Uncertain significance for VCL-related condition. Last evaluated: 2025-08-12. Review status: criteria provided, single submitter. Criteria: ACMG Guidelines, 2015. Collection method: clinical testing. Allele origin: germline.
Comment: The VCL c.2468G>A variant is predicted to result in the amino acid substitution p.Arg823Gln. This variant was reported in multiple individuals with dilated cardiomyopathy (File S2, van Lint et al. 2019. PubMed ID: 30847666; Table S3, Mazzarotto et al. 2020. PubMed ID: 31983221; Table S4, Verdonschot et al. 2020. PubMed ID: 32880476). This variant is reported in 0.0085% of alleles in individuals of European (Non-Finnish) descent in gnomAD and has conflicting interpretations regarding its pathogenicity in ClinVar, ranging from likely benign to uncertain (ClinVar ID: 222889). At this time, the clinical significance of this variant is uncertain due to the absence of conclusive functional and genetic evidence.

Women's Health and Genetics/Laboratory Corporation of America, LabCorp
Classification: Likely benign. Last evaluated: 2024-01-02. Review status: criteria provided, single submitter. Criteria: LabCorp Variant Classification Summary - May 2015. Collection method: clinical testing. Allele origin: germline.
Comment: Variant summary: VCL c.2468G>A (p.Arg823Gln) results in a conservative amino acid change in the encoded protein sequence. Four of five in-silico tools predict a benign effect of the variant on protein function. The variant allele was found at a frequency of 4.6e-05 in 282852 control chromosomes, predominantly at a frequency of 8.5e-05 within the Non-Finnish European subpopulation in the gnomAD database. The observed variant frequency within Non-Finnish European control individuals in the gnomAD database is approximately 3 fold of the estimated maximal expected allele frequency for a pathogenic variant in VCL causing Cardiomyopathy phenotype (2.5e-05), strongly suggesting that the variant is a benign polymorphism found primarily in populations of Non-Finnish European origin. c.2468G>A has been reported in the literature in individuals affected with Dilated cardiomyopathy (Mazzarotto_2020, Verdonschot_2020). These reports do not provide unequivocal conclusions about association of the variant with Cardiomyopathy. To our knowledge, no experimental evidence demonstrating an impact on protein function has been reported. The following publications have been ascertained in the context of this evaluation (PMID: 31983221, 32880476). Six submitters have cited clinical-significance assessments for this variant to ClinVar after 2014. All submitters classified the variant as uncertain significance. Based on the evidence outlined above, the variant was classified as likely benign.

Labcorp Genetics (formerly Invitae), Labcorp
Classification: Uncertain significance for Dilated cardiomyopathy 1W. Last evaluated: 2023-12-03. Review status: criteria provided, single submitter. Criteria: Invitae Variant Classification Sherloc (09022015). Collection method: clinical testing. Allele origin: germline.
Comment: This sequence change replaces arginine, which is basic and polar, with glutamine, which is neutral and polar, at codon 823 of the VCL protein (p.Arg823Gln). This variant is present in population databases (rs759202535, gnomAD 0.009%). This missense change has been observed in individual(s) with dilated cardiomyopathy (PMID: 31983221, 32880476). ClinVar contains an entry for this variant (Variation ID: 222889). An algorithm developed to predict the effect of missense changes on protein structure and function (PolyPhen-2) suggests that this variant is likely to be disruptive. In summary, the available evidence is currently insufficient to determine the role of this variant in disease. Therefore, it has been classified as a Variant of Uncertain Significance.

Clinical Genetics Laboratory, Skane University Hospital Lund
Classification: Uncertain significance. Last evaluated: 2023-07-06. Review status: criteria provided, single submitter. Criteria: ACMG Guidelines, 2015. Collection method: clinical testing. Allele origin: germline. Affected: yes.

Fulgent Genetics
Classification: Uncertain significance for Dilated cardiomyopathy 1W; Hypertrophic cardiomyopathy 15. Last evaluated: 2021-07-19. Review status: criteria provided, single submitter. Criteria: ACMG Guidelines, 2015. Collection method: clinical testing. Allele origin: unknown.

Blueprint Genetics
Classification: Uncertain significance. Last evaluated: 2021-01-07. Review status: criteria provided, single submitter. Criteria: ACMG Guidelines, 2015. Collection method: clinical testing. Allele origin: germline.

CeGaT Center for Human Genetics Tuebingen
Classification: Uncertain significance. Last evaluated: 2018-07-01. Review status: criteria provided, single submitter. Criteria: CeGaT Center For Human Genetics Tuebingen Variant Classification Criteria Version 2. Collection method: clinical testing. Allele origin: germline. Affected: yes. Observed: 1 variant allele.

Illumina Laboratory Services, Illumina
Classification: Uncertain significance for Dilated cardiomyopathy 1W. Last evaluated: 2018-01-13. Review status: criteria provided, single submitter. Criteria: ICSL Variant Classification Criteria 13 December 2019. Collection method: clinical testing. Allele origin: germline.

Clinical Genetics DNA and cytogenetics Diagnostics Lab, Erasmus MC, Erasmus Medical Center
Classification: Uncertain significance. Review status: no assertion criteria provided. Collection method: clinical testing. Allele origin: germline. Affected: yes. Study: VKGL Data-share Consensus. Not counted in ClinVar's aggregate classification.

Clinical Genetics, Academic Medical Center
Classification: Uncertain significance. Review status: no assertion criteria provided. Collection method: clinical testing. Allele origin: germline. Affected: yes. Study: VKGL Data-share Consensus. Not counted in ClinVar's aggregate classification.

Diagnostic Laboratory, Department of Genetics, University Medical Center Groningen
Classification: Uncertain significance. Review status: no assertion criteria provided. Collection method: clinical testing. Allele origin: germline. Affected: yes. Study: VKGL Data-share Consensus. Not counted in ClinVar's aggregate classification.

Joint Genome Diagnostic Labs from Nijmegen and Maastricht, Radboudumc and MUMC+
Classification: Uncertain significance. Review status: no assertion criteria provided. Collection method: clinical testing. Allele origin: germline. Affected: yes. Study: VKGL Data-share Consensus. Not counted in ClinVar's aggregate classification.

Literature cited by the submitters: PubMed 30847666 (cited by Ambry Genetics); PubMed 31983221 (cited by 3 submitters); PubMed 32880476 (cited by 3 submitters).

NM_014000.3(VCL):c.2468G>A (p.Arg823Gln)

Gene: VCL (vinculin; plus strand). Cytogenetic location: 10q22.2.
Variant type: single nucleotide variant.
Coding change: c.2468G>A on transcript NM_014000.3 (MANE Select); coding-DNA position 2468, G replaced by A.
Protein change: p.Arg823Gln; replaces arginine 823 with glutamine.
Molecular consequence: missense variant.
Genome position (GRCh38, 1-based): chr10:74,107,263, G>A. VCF-style: chr10-74107263-G-A. GRCh37 (hg19) VCF-style: chr10-75867021-G-A.
Other names: c.2468G>A, p.Arg823Gln (NM_003373.4); short protein forms R823Q.
Identifiers: ClinVar variation 222889 (VCV000222889.68), dbSNP rs759202535, ClinGen allele CA080873.
Genomic context (GRCh38, chr10:74,107,263, plus strand): 5'-CTGAAAGTGAGGATGTCTTGTGTTTAGGACTGCAAAAGAGCTTCCTGGACTCAGGATATC[G>A]GATCCTGGGAGCTGTGGCCAAGGTCAGAGAAGCCTTCCAACCTCAGGAGCCTGACTTCCC-3'
Protein context (NP_054706.1, residues 813-833): LQKSFLDSGY[Arg823Gln]ILGAVAKVRE